The following is an entry in ClinVar:

ClinVar aggregate classification (germline): Pathogenic (1 of 4 stars; one submission).

Conditions:
Hereditary cancer-predisposing syndrome. Also called: Neoplastic Syndromes, Hereditary; Hereditary neoplastic syndrome; Tumor predisposition; Hereditary Cancer Syndrome. Identifiers: Orphanet 140162, MedGen C0027672, MeSH D009386, MONDO:0015356.

Submission:

Ambry Genetics
Classification: Pathogenic for Hereditary cancer-predisposing syndrome. Last evaluated: 2026-01-26. Review status: criteria provided, single submitter. Criteria: Ambry Variant Classification Scheme 2023. Collection method: clinical testing. Allele origin: germline.
Comment: The c.1948delC pathogenic mutation, located in coding exon 15 of the BAP1 gene, results from a deletion of one nucleotide at nucleotide position 1948, causing a translational frameshift with a predicted alternate stop codon (p.L650Sfs*5). This variant is considered to be rare based on population cohorts in the Genome Aggregation Database (gnomAD). This alteration is expected to result in loss of function by premature protein truncation or nonsense-mediated mRNA decay. As such, this alteration is interpreted as a disease-causing mutation.

NM_004656.4(BAP1):c.1948del (p.Leu650fs)

Gene: BAP1 (BRCA1 associated deubiquitinase 1; minus strand). Cytogenetic location: 3p21.1.
Variant type: Deletion.
Coding change: c.1948del on transcript NM_004656.4 (MANE Select); coding-DNA position 1948, one base deleted (C; older notation c.1948delC).
Protein change: p.Leu650fs; shifts the reading frame from leucine 650.
Molecular consequence: frameshift variant.
Genome position (GRCh38, 1-based): chr3:52,402,814, G deleted on the plus strand (C on the coding strand, the reverse complement: BAP1 is on the minus strand); the first of 2 consecutive G bases (chr3:52,402,814-52,402,815); deleting either gives the same sequence. VCF-style (leftmost placement, unchanged base first): chr3-52402813-AG-A. GRCh37 (hg19) VCF-style: chr3-52436829-AG-A.
Other names: c.1948delC (NM_004656.2); c.1894del, p.Leu632fs (NM_001410772.1); short protein forms L650fs, L632fs.
Identifiers: ClinVar variation 4824086 (VCV004824086.1).